The following is an entry in ClinVar:

ClinVar aggregate classification (germline): Uncertain significance (1 of 4 stars; one submission).

Submission:

GeneDx
Classification: Uncertain significance. Last evaluated: 2023-02-21. Review status: criteria provided, single submitter. Criteria: GeneDx Variant Classification Process June 2021. Collection method: clinical testing. Allele origin: germline. Affected: yes.
Comment: Not observed at significant frequency in large population cohorts (gnomAD); In silico analysis supports that this missense variant has a deleterious effect on protein structure/function; Has not been previously published as pathogenic or benign to our knowledge

NM_015267.4(CUX2):c.3250G>C (p.Asp1084His)

Gene: CUX2 (cut like homeobox 2; plus strand). Cytogenetic location: 12q24.12.
Variant type: single nucleotide variant.
Coding change: c.3250G>C on transcript NM_015267.4 (MANE Select); coding-DNA position 3250, G replaced by C.
Protein change: p.Asp1084His; replaces aspartic acid 1084 with histidine.
Molecular consequence: missense variant.
Genome position (GRCh38, 1-based): chr12:111,338,339, G>C. VCF-style: chr12-111338339-G-C. GRCh37 (hg19) VCF-style: chr12-111776143-G-C.
Other names: c.3064G>C, p.Asp1022His (NM_001370598.1); short protein forms D1022H, D1084H.
Identifiers: ClinVar variation 2576739 (VCV002576739.1), dbSNP rs2499919252, ClinGen allele CA386717290.